The following is an entry in ClinVar:

ClinVar aggregate classification (germline): Uncertain significance. Review status: criteria provided, multiple submitters, no conflicts (2 of 4 stars). 4 submissions from 4 submitters: Uncertain significance (3). 1 of the submissions does not count toward it. Last evaluated 2025-09-28.

Conditions:
CEP290-related disorder. Also called: CEP290-related condition; CEP290-related disorders. Identifiers: MedGen CN239314.
Nephronophthisis. Also called: Juvenile Nephronophthisis. Identifiers: Orphanet 655, MedGen C0687120, MONDO:0019005, HP:0000090.
Meckel-Gruber syndrome. Also called: DYSENCEPHALIA SPLANCHNOCYSTICA; GRUBER SYNDROME; Dysencephalia splachnocystica. Identifiers: Orphanet 564, MedGen C0265215, MONDO:0018921.
Joubert syndrome. Also called: JOUBERT-BOLTSHAUSER SYNDROME; Familial aplasia of the vermis. Identifiers: Orphanet 475, MedGen C5979921, MONDO:0018772.
Inborn genetic diseases. Identifiers: MedGen C0950123, MeSH D030342.
Leber congenital amaurosis (LCA). Also called: Leber's amaurosis. Identifiers: Orphanet 65, MedGen C0339527, MeSH D057130, MONDO:0018998.

Allele frequency attached by ClinVar (database versions not stated): gnomAD exomes below 0.00001; ExAC 0.00001; gnomAD 0.00001; TOPMed 0.00001.
gnomAD v4.1: 7 of 1,611,628 alleles (0.00043%); highest among the groups gnomAD compares: Non-Finnish European, 0.00051%; no homozygotes.

Submissions (4):

PreventionGenetics, part of Exact Sciences
Classification: Uncertain significance for CEP290-related condition. Last evaluated: 2025-09-28. Review status: criteria provided, single submitter. Criteria: ACMG Guidelines, 2015. Collection method: clinical testing. Allele origin: germline.
Comment: The CEP290 c.2750A>C variant is predicted to result in the amino acid substitution p.Gln917Pro. To our knowledge, this variant has not been reported in the literature. This variant is reported in 0.0018% of alleles in individuals of European (Non-Finnish) descent in gnomAD. At this time, the clinical significance of this variant is uncertain due to the absence of conclusive functional and genetic evidence.

Ambry Genetics
Classification: Uncertain significance for Inborn genetic diseases. Last evaluated: 2025-03-06. Review status: criteria provided, single submitter. Criteria: Ambry Variant Classification Scheme 2023. Collection method: clinical testing. Allele origin: germline.

Labcorp Genetics (formerly Invitae), Labcorp
Classification: Uncertain significance for Joubert syndrome; Meckel-Gruber syndrome; Nephronophthisis. Last evaluated: 2022-01-17. Review status: criteria provided, single submitter. Criteria: Invitae Variant Classification Sherloc (09022015). Collection method: clinical testing. Allele origin: germline.
Comment: This sequence change replaces glutamine, which is neutral and polar, with proline, which is neutral and non-polar, at codon 917 of the CEP290 protein (p.Gln917Pro). This variant is present in population databases (rs763778682, gnomAD 0.002%). This variant has not been reported in the literature in individuals affected with CEP290-related conditions. Algorithms developed to predict the effect of missense changes on protein structure and function (SIFT, PolyPhen-2, Align-GVGD) all suggest that this variant is likely to be tolerated. In summary, the available evidence is currently insufficient to determine the role of this variant in disease. Therefore, it has been classified as a Variant of Uncertain Significance.

Natera, Inc.
Classification: Uncertain significance for Leber congenital amaurosis. Last evaluated: 2025-03-18. Review status: no assertion criteria provided. Collection method: clinical testing. Allele origin: germline. Not counted in ClinVar's aggregate classification.

NM_025114.4(CEP290):c.2750A>C (p.Gln917Pro)

Gene: CEP290 (centrosomal protein 290; minus strand). Cytogenetic location: 12q21.32.
Variant type: single nucleotide variant.
Coding change: c.2750A>C on transcript NM_025114.4 (MANE Select); coding-DNA position 2750, A replaced by C.
Protein change: p.Gln917Pro; replaces glutamine 917 with proline.
Molecular consequence: missense variant.
Genome position (GRCh38, 1-based): chr12:88,106,742, T>G on the plus strand (A>C on the coding strand, the complement: CEP290 is on the minus strand). VCF-style: chr12-88106742-T-G. GRCh37 (hg19) VCF-style: chr12-88500519-T-G.
Other names: c.2750A>C (NM_025114.3); short protein forms Q917P.
Identifiers: ClinVar variation 2202561 (VCV002202561.4), dbSNP rs763778682, ClinGen allele CA6712279.